The following is an entry in ClinVar:

NM_000352.6(ABCC8):c.622G>A (p.Glu208Lys)

Gene: ABCC8 (ATP binding cassette subfamily C member 8; minus strand). Cytogenetic location: 11p15.1.
Variant type: single nucleotide variant.
Coding change: c.622G>A on transcript NM_000352.6 (MANE Select); coding-DNA position 622, G replaced by A.
Protein change: p.Glu208Lys; replaces glutamic acid 208 with lysine.
Molecular consequence: missense variant. On other transcripts: non-coding transcript variant (1).
Genome position (GRCh38, 1-based): chr11:17,461,783, C>T on the plus strand (G>A on the coding strand, the complement: ABCC8 is on the minus strand). VCF-style: chr11-17461783-C-T. GRCh37 (hg19) VCF-style: chr11-17483330-C-T.
Other names: c.622G>A, p.Glu208Lys (NM_001287174.3, NM_001351295.2, NM_001351296.2 and 1 more transcripts); short protein forms E208K.
Identifiers: ClinVar variation 1338546 (VCV001338546.5), dbSNP rs2133680513, ClinGen allele CA379779130.

ClinVar aggregate classification (germline): Likely pathogenic. Review status: criteria provided, multiple submitters, no conflicts (2 of 4 stars). 2 submissions from 2 submitters: Likely pathogenic (2). Last evaluated 2026-01-06.

Conditions:
Hyperinsulinemic hypoglycemia, familial, 1 (HHF1). Also called: Persistent hyperinsulinemic hypoglycemia of infancy; HYPERINSULINISM, FAMILIAL, WITH PANCREATIC NESIDIOBLASTOSIS; HYPOGLYCEMIA, HYPERINSULINEMIC, OF INFANCY; NESIDIOBLASTOSIS OF PANCREAS; Persistent Hyperinsulinemia Hypoglycemia of Infancy. Identifiers: Orphanet 276575, Orphanet 276598, MedGen C2931832, MONDO:0009734, OMIM 256450.

Allele frequency attached by ClinVar (database versions not stated): gnomAD exomes below 0.00001.
gnomAD v4.1: 2 of 1,614,138 alleles (0.00012%); highest among the groups gnomAD compares: Non-Finnish European, 0.00017%; no homozygotes.

Submissions (2):

Myriad Genetics, Inc.
Classification: Likely pathogenic for Hyperinsulinemic hypoglycemia, familial, 1. Last evaluated: 2026-01-06. Review status: criteria provided, single submitter. Criteria: Myriad Autosomal Dominant, Autosomal Recessive and X-Linked Classification Criteria (2023). Collection method: clinical testing. Allele origin: unknown.
Comment: NM_000352.3(ABCC8):c.622G>A(E208K) is a missense variant classified as likely pathogenic in the context of familial hyperinsulinism, ABCC8-related. E208K has been observed in cases with relevant disease (PMID: 17389331, 17668386, 24622368, 33184150, 38970407). Relevant functional assessments of this variant are available in the literature (PMID: 20810569). E208K has not been observed in referenced population frequency databases. In summary, NM_000352.3(ABCC8):c.622G>A(E208K) is a missense variant that has functional support for pathogenicity and has been observed more frequently in cases with the relevant disease than in healthy populations. Please note: this variant was assessed in the context of healthy population screening.

Genetic Services Laboratory, University of Chicago
Classification: Likely pathogenic. Last evaluated: 2019-09-17. Review status: criteria provided, single submitter. Criteria: ACMG Guidelines, 2015. Collection method: clinical testing. Allele origin: germline. Affected: yes.
Comment: DNA sequence analysis of the ABCC8 gene demonstrated a sequence change, c.622G>A, in exon 5 that results in an amino acid change, p.Glu208Lys. This sequence change has not been described in large population databases such as EXAC and gnomAD. The p.Glu208Lys change affects a highly conserved amino acid residue located in a domain of the ABCC8 protein that is known to be functional. The p.Glu208Lys substitution appears to be deleterious using several in-silico pathogenicity prediction tools (SIFT, PolyPhen2, REVEL). This particular variant in the heterozygous state was reported in two separate patients with transient neonatal diabetes and in the compound heterozygous state in one patient with permanent neonatal diabetes (PMID: 24622368, 17389331, 17668386). In one case, the variant was inherited from the patient?s father with impaired glucose tolerance (PMID:17389331). Functional studies of the p.Glu208Lys mutation demonstrated a small increase in MgADP response to which the authors concluded was consistent with the mild transient diabetes phenotype (PMID:20810569).

Literature cited by the submitters: PubMed 17389331 (cited by Myriad Genetics, Inc.); PubMed 17668386 (cited by Myriad Genetics, Inc.); PubMed 20810569 (cited by Myriad Genetics, Inc.); PubMed 24622368 (cited by Myriad Genetics, Inc.); PubMed 33184150 (cited by Myriad Genetics, Inc.); PubMed 38970407 (cited by Myriad Genetics, Inc.).